The following is an entry in ClinVar:

NM_013275.6(ANKRD11):c.7825C>T (p.Gln2609Ter)

Gene: ANKRD11 (ankyrin repeat domain 11; minus strand). Cytogenetic location: 16q24.3.
Variant type: single nucleotide variant.
Coding change: c.7825C>T on transcript NM_013275.6 (MANE Select); coding-DNA position 7825, C replaced by T.
Protein change: p.Gln2609Ter; replaces glutamine 2609 with a stop codon.
Molecular consequence: nonsense.
Genome position (GRCh38, 1-based): chr16:89,268,645, G>A on the plus strand (C>T on the coding strand, the complement: ANKRD11 is on the minus strand). VCF-style: chr16-89268645-G-A. GRCh37 (hg19) VCF-style: chr16-89335053-G-A.
Other names: c.7825C>T, p.Gln2609Ter (NM_001256182.2, NM_001256183.2); short protein forms Q2609*.
Identifiers: ClinVar variation 208708 (VCV000208708.11), dbSNP rs797044900, ClinGen allele CA204730.
Genomic context (GRCh38, chr16:89,268,645, plus strand): 5'-GCACCTTCAGCTGCCACTCCATCCTCTGCACGGCGTTCAGGGCCGCGGCCTCGTGCTGCT[G>A]CCGCATGAGGAGGCAAGTCTGCGGGACACACAGCGGGGAGAGGAGGGAGGAGGAGTGAAG-3'

ClinVar aggregate classification (germline): Pathogenic/Likely pathogenic. Review status: criteria provided, multiple submitters, no conflicts (2 of 4 stars). 4 submissions from 4 submitters: Pathogenic (3); Likely pathogenic (1). Last evaluated 2025-09-08.

Conditions:
Inborn genetic diseases. Identifiers: MedGen C0950123, MeSH D030342.
KBG syndrome (KBGS). Also called: ANKRD11-Related KBG Syndrome. Identifiers: Orphanet 2332, MedGen C0220687, MONDO:0007846, OMIM 148050.

Submissions (4):

Labcorp Genetics (formerly Invitae), Labcorp
Classification: Likely pathogenic for KBG syndrome. Last evaluated: 2025-09-08. Review status: criteria provided, single submitter. Criteria: Invitae Variant Classification Sherloc (09022015). Collection method: clinical testing. Allele origin: germline.
Comment: This sequence change creates a premature translational stop signal (p.Gln2609*) in the ANKRD11 gene. While this is not anticipated to result in nonsense mediated decay, it is expected to disrupt the last 55 amino acid(s) of the ANKRD11 protein. This variant is not present in population databases (gnomAD no frequency). This premature translational stop signal has been observed in individual(s) with KBG syndrome (PMID: 35970914). In at least one individual the variant was observed to be de novo. ClinVar contains an entry for this variant (Variation ID: 208708). In summary, the currently available evidence indicates that the variant is pathogenic, but additional data are needed to prove that conclusively. Therefore, this variant has been classified as Likely Pathogenic.

Revvity Omics, Revvity
Classification: Pathogenic for KBG syndrome. Last evaluated: 2020-03-20. Review status: criteria provided, single submitter. Criteria: ACMG Guidelines, 2015. Collection method: clinical testing. Allele origin: germline.

Ambry Genetics
Classification: Pathogenic for Inborn genetic diseases. Last evaluated: 2013-02-06. Review status: criteria provided, single submitter. Criteria: Ambry Autosomal Dominant and X-Linked criteria (10/2015). Collection method: clinical testing. Allele origin: germline. Observed: 1 variant allele.

Genome Medicine, Institute for Basic Research in Developmental Disabilities
Classification: Pathogenic for KBG syndrome. Review status: criteria provided, single submitter. Criteria: ACMG Guidelines, 2015. Collection method: clinical testing. Allele origin: de novo. Affected: yes. Observed: 1 variant allele.

Literature cited by the submitters: PubMed 35970914 (cited by Labcorp Genetics (formerly Invitae), Labcorp and Genome Medicine, Institute for Basic Research in Developmental Disabilities).